The following is an entry in ClinVar:

NM_001854.4(COL11A1):c.5258T>A (p.Leu1753Gln)

Genes: COL11A1 (collagen type XI alpha 1 chain; minus strand), LOC126805814 (P300/CBP strongly-dependent group 1 enhancer GRCh37_chr1:103344928-103346127; plus strand). Cytogenetic location: 1p21.1.
Variant type: single nucleotide variant.
Coding change: c.5258T>A on transcript NM_001854.4 (MANE Select); coding-DNA position 5258, T replaced by A.
Protein change: p.Leu1753Gln; replaces leucine 1753 with glutamine.
Molecular consequence: missense variant. On other transcripts: non-coding transcript variant (1).
Genome position (GRCh38, 1-based): chr1:102,879,699, A>T on the plus strand (T>A on the coding strand, the complement: COL11A1 is on the minus strand). VCF-style: chr1-102879699-A-T. GRCh37 (hg19) VCF-style: chr1-103345255-A-T.
Other names: c.5141T>A, p.Leu1714Gln (NM_001190709.2); c.5294T>A, p.Leu1765Gln (NM_080629.3); c.4910T>A, p.Leu1637Gln (NM_080630.4); short protein forms L1753Q, L1714Q, L1637Q, L1765Q.
Identifiers: ClinVar variation 1470495 (VCV001470495.8), dbSNP rs1350002806, ClinGen allele CA341210759.

ClinVar aggregate classification (germline): Uncertain significance (1 of 4 stars; one submission).

Submission:

Labcorp Genetics (formerly Invitae), Labcorp
Classification: Uncertain significance. Last evaluated: 2025-04-16. Review status: criteria provided, single submitter. Criteria: Invitae Variant Classification Sherloc (09022015). Collection method: clinical testing. Allele origin: germline.
Comment: This sequence change replaces leucine, which is neutral and non-polar, with glutamine, which is neutral and polar, at codon 1753 of the COL11A1 protein (p.Leu1753Gln). This variant is not present in population databases (gnomAD no frequency). This variant has not been reported in the literature in individuals affected with COL11A1-related conditions. ClinVar contains an entry for this variant (Variation ID: 1470495). Invitae Evidence Modeling of protein sequence and biophysical properties (such as structural, functional, and spatial information, amino acid conservation, physicochemical variation, residue mobility, and thermodynamic stability) indicates that this missense variant is not expected to disrupt COL11A1 protein function with a negative predictive value of 80%. In summary, the available evidence is currently insufficient to determine the role of this variant in disease. Therefore, it has been classified as a Variant of Uncertain Significance.